The following is an entry in ClinVar:

ClinVar aggregate classification (germline): Benign/Likely benign. Review status: criteria provided, multiple submitters, no conflicts (2 of 4 stars). 3 submissions from 3 submitters: Benign (2); Likely benign (1). Last evaluated 2018-06-27.

Allele frequency attached by ClinVar (database versions not stated): 1000 Genomes Project 30x 0.03186; 1000 Genomes Project 0.03255; TOPMed 0.03890; gnomAD exomes 0.05842; gnomAD 0.04423 and 0.04313.

Submissions (3):

Eurofins Ntd Llc (ga)
Classification: Benign. Last evaluated: 2018-06-27. Review status: criteria provided, single submitter. Criteria: EGL ClinVar v180209 classification definitions. Collection method: clinical testing. Allele origin: germline. Observed: 1 variant allele, 1 heterozygote.

GeneDx
Classification: Benign. Last evaluated: 2018-06-14. Review status: criteria provided, single submitter. Criteria: GeneDx Variant Classification (06012015). Collection method: clinical testing. Allele origin: germline. Affected: yes.
Comment: This variant is considered likely benign or benign based on one or more of the following criteria: it is a conservative change, it occurs at a poorly conserved position in the protein, it is predicted to be benign by multiple in silico algorithms, and/or has population frequency not consistent with disease.

Breakthrough Genomics
Classification: Likely benign. Review status: criteria provided, single submitter. Criteria: ACMG Guidelines, 2015. Collection method: not provided. Allele origin: germline. Inheritance: Autosomal recessive inheritance. Affected: yes.

NM_000942.4(PPIB):c.-171C>T

Gene: PPIB (peptidylprolyl isomerase B; minus strand). Cytogenetic location: 15q22.31.
Variant type: single nucleotide variant.
Coding change: c.-171C>T on transcript NM_000942.4; 171 bases upstream of the start codon, C replaced by T.
Genome position (GRCh38, 1-based): chr15:64,163,157, G>A on the plus strand (C>T on the coding strand, the complement: PPIB is on the minus strand). VCF-style: chr15-64163157-G-A. GRCh37 (hg19) VCF-style: chr15-64455356-G-A.
Identifiers: ClinVar variation 369094 (VCV000369094.11), dbSNP rs112481305, ClinGen allele CA10654519.